The following is an entry in ClinVar:

ClinVar aggregate classification (germline): Uncertain significance (1 of 4 stars; one submission).

Submission:

Labcorp Genetics (formerly Invitae), Labcorp
Classification: Uncertain significance. Last evaluated: 2022-06-01. Review status: criteria provided, single submitter. Criteria: Invitae Variant Classification Sherloc (09022015). Collection method: clinical testing. Allele origin: germline.
Comment: This sequence change replaces alanine, which is neutral and non-polar, with serine, which is neutral and polar, at codon 360 of the RORB protein (p.Ala360Ser). This variant is not present in population databases (gnomAD no frequency). This variant has not been reported in the literature in individuals affected with RORB-related conditions. Algorithms developed to predict the effect of missense changes on protein structure and function are either unavailable or do not agree on the potential impact of this missense change (SIFT: "Tolerated"; PolyPhen-2: "Probably Damaging"; Align-GVGD: "Class C15"). In summary, the available evidence is currently insufficient to determine the role of this variant in disease. Therefore, it has been classified as a Variant of Uncertain Significance.

NM_006914.4(RORB):c.1078G>T (p.Ala360Ser)

Gene: RORB (RAR related orphan receptor B; plus strand). Cytogenetic location: 9q21.13.
Variant type: single nucleotide variant.
Coding change: c.1078G>T on transcript NM_006914.4 (MANE Select); coding-DNA position 1078, G replaced by T.
Protein change: p.Ala360Ser; replaces alanine 360 with serine.
Molecular consequence: missense variant.
Genome position (GRCh38, 1-based): chr9:74,667,868, G>T. VCF-style: chr9-74667868-G-T. GRCh37 (hg19) VCF-style: chr9-77282784-G-T.
Other names: c.1111G>T, p.Ala371Ser (NM_001365023.1); short protein forms A371S, A360S.
Identifiers: ClinVar variation 2001661 (VCV002001661.4), dbSNP rs1163653001, ClinGen allele CA373771508.